The following is an entry in ClinVar:

ClinVar aggregate classification (germline): Uncertain significance. Review status: criteria provided, multiple submitters, no conflicts (2 of 4 stars). 2 submissions from 2 submitters: Uncertain significance (2). Last evaluated 2026-09-03.

Conditions:
RYR1-related disorder. Also called: RYR1-related condition; RYR1-related disorders. Identifiers: MedGen CN239331.

Allele frequency attached by ClinVar (database versions not stated): TOPMed 0.00001.
gnomAD v4.1: 6 of 1,601,698 alleles (0.00037%); highest among the groups gnomAD compares: Admixed American, 0.0084%; no homozygotes.

Submissions (2):

PreventionGenetics, part of Exact Sciences
Classification: Uncertain significance for RYR1-related condition. Last evaluated: 2026-09-03. Review status: criteria provided, single submitter. Criteria: ACMG Guidelines, 2015. Collection method: clinical testing. Allele origin: germline.
Comment: The RYR1 c.7140C>G variant is predicted to result in the amino acid substitution p.Ile2380Met. To our knowledge, this variant has not been reported in the literature. This variant is reported in 0.0086% of alleles in individuals of Latino descent in gnomAD. At this time, the clinical significance of this variant is uncertain due to the absence of conclusive functional and genetic evidence.

Labcorp Genetics (formerly Invitae), Labcorp
Classification: Uncertain significance for RYR1-related disorder. Last evaluated: 2024-03-11. Review status: criteria provided, single submitter. Criteria: Invitae Variant Classification Sherloc (09022015). Collection method: clinical testing. Allele origin: germline.
Comment: This sequence change replaces isoleucine, which is neutral and non-polar, with methionine, which is neutral and non-polar, at codon 2380 of the RYR1 protein (p.Ile2380Met). This variant is present in population databases (rs573431795, gnomAD 0.009%). This variant has not been reported in the literature in individuals affected with RYR1-related conditions. ClinVar contains an entry for this variant (Variation ID: 1373705). Advanced modeling of protein sequence and biophysical properties (such as structural, functional, and spatial information, amino acid conservation, physicochemical variation, residue mobility, and thermodynamic stability) performed at Invitae indicates that this missense variant is not expected to disrupt RYR1 protein function with a negative predictive value of 95%. In summary, the available evidence is currently insufficient to determine the role of this variant in disease. Therefore, it has been classified as a Variant of Uncertain Significance.

NM_000540.3(RYR1):c.7140C>G (p.Ile2380Met)

Gene: RYR1 (ryanodine receptor 1; plus strand). Cytogenetic location: 19q13.2.
Variant type: single nucleotide variant.
Coding change: c.7140C>G on transcript NM_000540.3 (MANE Select); coding-DNA position 7140, C replaced by G.
Protein change: p.Ile2380Met; replaces isoleucine 2380 with methionine.
Molecular consequence: missense variant.
Genome position (GRCh38, 1-based): chr19:38,499,747, C>G. VCF-style: chr19-38499747-C-G. GRCh37 (hg19) VCF-style: chr19-38990387-C-G.
Other names: c.7140C>G, p.Ile2380Met (NM_001042723.2); c.7140C>G (NM_000540.2); short protein forms I2380M.
Identifiers: ClinVar variation 1373705 (VCV001373705.9), dbSNP rs573431795, ClinGen allele CA069173.
Genomic context (GRCh38, chr19:38,499,747, plus strand): 5'-GCCTGAGTGCTTCGGACCCGCCCTGCGGGGTGAGGGTGGCTCAGGGCTGCTGGCTGCCAT[C>G]GAAGAGGCCATCCGCATCTCCGAGGACCCTGCGAGGGATGGCCCAGGCATCCGCAGGGAC-3'
Protein context (NP_000531.2, residues 2370-2390): GEGGSGLLAA[Ile2380Met]EEAIRISEDP